The following is an entry in ClinVar:

ClinVar aggregate classification (germline): Conflicting classifications of pathogenicity. Review status: criteria provided, conflicting classifications (1 of 4 stars). 3 submissions from 3 submitters: Uncertain significance (2); Likely benign (1). Last evaluated 2025-12-26.

Conditions:
Familial cancer of breast. Also called: BREAST CANCER, FAMILIAL; hereditary breast carcinoma; Hereditary breast cancer. Identifiers: Orphanet 227535, MedGen C0346153, MONDO:0016419, OMIM 114480. Disease mechanism: loss of function.
Hereditary cancer-predisposing syndrome. Also called: Neoplastic Syndromes, Hereditary; Tumor predisposition; Hereditary Cancer Syndrome; Hereditary neoplastic syndrome. Identifiers: Orphanet 140162, MedGen C0027672, MeSH D009386, MONDO:0015356.

Allele frequency attached by ClinVar (database versions not stated): gnomAD exomes below 0.00001.
gnomAD v4.1: 2 of 1,614,160 alleles (0.00012%); highest among the groups gnomAD compares: Non-Finnish European, 0.00017%; no homozygotes.

Submissions (3):

Color Diagnostics, LLC DBA Color Health
Classification: Uncertain significance for Hereditary cancer-predisposing syndrome. Last evaluated: 2025-12-26. Review status: criteria provided, single submitter. Criteria: ACMG Guidelines, 2015. Collection method: clinical testing. Allele origin: germline.
Comment: This missense variant replaces asparagine with serine at codon 418 of the PALB2 protein. Computational prediction suggests that this variant may not impact protein structure and function. To our knowledge, functional studies have not been reported for this variant. This variant has not been reported in individuals affected with PALB2-related disorders in the literature. This variant has not been identified in the general population by the Genome Aggregation Database (gnomAD). The available evidence is insufficient to determine the role of this variant in disease conclusively. Therefore, this variant is classified as a Variant of Uncertain Significance.

Labcorp Genetics (formerly Invitae), Labcorp
Classification: Uncertain significance for Familial cancer of breast. Last evaluated: 2025-02-03. Review status: criteria provided, single submitter. Criteria: Invitae Variant Classification Sherloc (09022015). Collection method: clinical testing. Allele origin: germline.
Comment: This sequence change replaces asparagine, which is neutral and polar, with serine, which is neutral and polar, at codon 418 of the PALB2 protein (p.Asn418Ser). This variant is not present in population databases (gnomAD no frequency). This variant has not been reported in the literature in individuals affected with PALB2-related conditions. ClinVar contains an entry for this variant (Variation ID: 923709). Invitae Evidence Modeling of protein sequence and biophysical properties (such as structural, functional, and spatial information, amino acid conservation, physicochemical variation, residue mobility, and thermodynamic stability) indicates that this missense variant is not expected to disrupt PALB2 protein function with a negative predictive value of 80%. In summary, the available evidence is currently insufficient to determine the role of this variant in disease. Therefore, it has been classified as a Variant of Uncertain Significance.

Ambry Genetics
Classification: Likely benign for Hereditary cancer-predisposing syndrome. Last evaluated: 2024-01-25. Review status: criteria provided, single submitter. Criteria: Ambry Variant Classification Scheme 2023. Collection method: clinical testing. Allele origin: germline.

NM_024675.4(PALB2):c.1253A>G (p.Asn418Ser)

Gene: PALB2 (partner and localizer of BRCA2; minus strand). Cytogenetic location: 16p12.2.
Variant type: single nucleotide variant.
Coding change: c.1253A>G on transcript NM_024675.4 (MANE Select); coding-DNA position 1253, A replaced by G.
Protein change: p.Asn418Ser; replaces asparagine 418 with serine.
Molecular consequence: missense variant.
Genome position (GRCh38, 1-based): chr16:23,635,293, T>C on the plus strand (A>G on the coding strand, the complement: PALB2 is on the minus strand). VCF-style: chr16-23635293-T-C. GRCh37 (hg19) VCF-style: chr16-23646614-T-C.
Other names: short protein forms N418S.
Identifiers: ClinVar variation 923709 (VCV000923709.17), dbSNP rs1784498384, ClinGen allele CA395132874.